The following is an entry in ClinVar:

ClinVar aggregate classification (germline): Uncertain significance (1 of 4 stars; one submission).

Conditions:
Inborn genetic diseases. Identifiers: MedGen C0950123, MeSH D030342.

gnomAD v4.1: 2 of 1,613,276 alleles (0.00012%); highest among the groups gnomAD compares: Non-Finnish European, 0.000085%; no homozygotes.

Submission:

Ambry Genetics
Classification: Uncertain significance for Inborn genetic diseases. Last evaluated: 2024-09-30. Review status: criteria provided, single submitter. Criteria: Ambry Variant Classification Scheme 2023. Collection method: clinical testing. Allele origin: germline.
Comment: The p.M576V variant (also known as c.1726A>G), located in coding exon 7 of the ATR gene, results from an A to G substitution at nucleotide position 1726. The methionine at codon 576 is replaced by valine, an amino acid with highly similar properties. This amino acid position is conserved. In addition, this alteration is predicted to be tolerated by in silico analysis. Based on the available evidence, the clinical significance of this variant remains unclear.

NM_001184.4(ATR):c.1726A>G (p.Met576Val)

Gene: ATR (ATR serine/threonine kinase; minus strand). Cytogenetic location: 3q23.
Variant type: single nucleotide variant.
Coding change: c.1726A>G on transcript NM_001184.4 (MANE Select); coding-DNA position 1726, A replaced by G.
Protein change: p.Met576Val; replaces methionine 576 with valine.
Molecular consequence: missense variant.
Genome position (GRCh38, 1-based): chr3:142,559,257, T>C on the plus strand (A>G on the coding strand, the complement: ATR is on the minus strand). VCF-style: chr3-142559257-T-C. GRCh37 (hg19) VCF-style: chr3-142278099-T-C.
Other names: c.1534A>G, p.Met512Val (NM_001354579.2); short protein forms M512V, M576V.
Identifiers: ClinVar variation 3462860 (VCV003462860.1).